The following is an entry in ClinVar:

NC_000016.9:g.(?_53635988)_(55539614_?)del

Genes: FTO (FTO alpha-ketoglutarate dependent dioxygenase; plus strand), IRX3 (iroquois homeobox 3; minus strand), IRX5 (iroquois homeobox 5; plus strand), IRX6 (iroquois homeobox 6; plus strand), MMP2 (matrix metallopeptidase 2; plus strand) and 1 more. Cytogenetic location: 16q12.2.
Variant type: Deletion.
Identifiers: ClinVar variation 2426110 (VCV002426110.5).

ClinVar aggregate classification (germline): Pathogenic (1 of 4 stars; one submission).

Conditions:
Joubert syndrome. Also called: CEREBELLOPARENCHYMAL DISORDER IV; JOUBERT-BOLTSHAUSER SYNDROME; Familial aplasia of the vermis. Identifiers: Orphanet 475, MedGen C5979921, MONDO:0018772.
Meckel-Gruber syndrome. Also called: DYSENCEPHALIA SPLANCHNOCYSTICA; GRUBER SYNDROME; Dysencephalia splachnocystica. Identifiers: Orphanet 564, MedGen C0265215, MONDO:0018921.

Submission:

Labcorp Genetics (formerly Invitae), Labcorp
Classification: Pathogenic for Joubert syndrome; Meckel-Gruber syndrome. Last evaluated: 2022-08-18. Review status: criteria provided, single submitter. Criteria: Invitae Variant Classification Sherloc (09022015). Collection method: clinical testing. Allele origin: germline.
Comment: A gross deletion of the genomic region encompassing the full coding sequence of the RPGRIP1L gene has been identified. Loss-of-function variants in RPGRIP1L are known to be pathogenic (PMID: 17558409). The boundaries of this event are unknown as they extend beyond the assayed region for this gene and therefore may encompass additional genes. This variant has not been reported in the literature in individuals affected with RPGRIP1L-related conditions. For these reasons, this variant has been classified as Pathogenic.

Literature cited by the submitters: PubMed 17558409.